The following is an entry in ClinVar:

ClinVar aggregate classification (germline): Likely pathogenic. Review status: criteria provided, multiple submitters, no conflicts (2 of 4 stars). 2 submissions from 2 submitters: Likely pathogenic (2). Last evaluated 2026-06-23.

Conditions:
Inborn genetic diseases. Identifiers: MedGen C0950123, MeSH D030342.

Submissions (3):

Ambry Genetics
Classification: Likely pathogenic for Inborn genetic diseases. Last evaluated: 2026-06-23. Review status: criteria provided, single submitter. Criteria: Ambry Variant Classification Scheme 2023. Collection method: clinical testing. Allele origin: germline.
Comment: The c.105-2A>G intronic variant results from an A to G substitution two nucleotides upstream from coding exon 2 in the MBD4 gene. This nucleotide position is highly conserved in available vertebrate species. In silico splice site analysis predicts that this alteration will weaken the native splice acceptor site and will result in the creation or strengthening of a novel splice acceptor site. RNA studies have demonstrated that this variant results in abnormal splicing in the set of samples tested (Ambry internal data). Variants that disrupt the canonical splice site are expected to cause aberrant splicing, resulting in an abnormal protein or a transcript that is subject to nonsense-mediated mRNA decay. As such, this variant is classified as likely pathogenic.

Labcorp Genetics (formerly Invitae), Labcorp
Classification: Likely pathogenic. Last evaluated: 2024-10-06. Review status: criteria provided, single submitter. Criteria: Invitae Variant Classification Sherloc (09022015). Collection method: clinical testing. Allele origin: germline.
Comment: This sequence change affects an acceptor splice site in intron 1 of the MBD4 gene. It is expected to disrupt RNA splicing. Variants that disrupt the donor or acceptor splice site typically lead to a loss of protein function (PMID: 16199547), and loss-of-function variants in MBD4 are known to be pathogenic (PMID: 30049810, 35460607). This variant is present in population databases (no rsID available, gnomAD 0.003%). This variant has not been reported in the literature in individuals affected with MBD4-related conditions. Algorithms developed to predict the effect of sequence changes on RNA splicing suggest that this variant may disrupt the consensus splice site. In summary, the currently available evidence indicates that the variant is pathogenic, but additional data are needed to prove that conclusively. Therefore, this variant has been classified as Likely Pathogenic.

Dr. Peter K. Rogan Lab, Western University
No classification provided (evidence only). Condition: Thyroid cancer, nonmedullary, 1. Review status: no classification provided. Collection method: in vitro. Allele origin: not applicable. Functional consequence: retained intron. Not counted in ClinVar's aggregate classification.

Literature cited by the submitters: PubMed 16199547 (cited by Labcorp Genetics (formerly Invitae), Labcorp); PubMed 30049810 (cited by Labcorp Genetics (formerly Invitae), Labcorp); PubMed 35460607 (cited by Labcorp Genetics (formerly Invitae), Labcorp).

NM_001276270.2(MBD4):c.105-2A>G

Gene: MBD4 (methyl-CpG binding domain 4, DNA glycosylase; minus strand). Cytogenetic location: 3q21.3.
Variant type: single nucleotide variant.
Coding change: c.105-2A>G on transcript NM_001276270.2 (MANE Select); the canonical splice acceptor site of the intron before coding-DNA position 105, A replaced by G.
Molecular consequence: splice acceptor variant.
Genome position (GRCh38, 1-based): chr3:129,437,952, T>C on the plus strand (A>G on the coding strand, the complement: MBD4 is on the minus strand). VCF-style: chr3-129437952-T-C. GRCh37 (hg19) VCF-style: chr3-129156795-T-C.
Other names: c.105-2A>G (NM_001276272.2, NM_003925.3, NM_001276271.2 and 1 more transcripts).
Identifiers: ClinVar variation 3630113 (VCV003630113.4).